The following is an entry in ClinVar:

ClinVar aggregate classification (germline): Uncertain significance. Review status: criteria provided, multiple submitters, no conflicts (2 of 4 stars). 2 submissions from 2 submitters: Uncertain significance (2). Last evaluated 2022-11-21.

Conditions:
Inborn genetic diseases. Identifiers: MedGen C0950123, MeSH D030342.

Allele frequency attached by ClinVar (database versions not stated): gnomAD 0.00001; TOPMed 0.00001; ExAC 0.00003.
gnomAD v4.1: 19 of 1,612,970 alleles (0.0012%); highest among the groups gnomAD compares: Non-Finnish European, 0.0014%; no homozygotes.

Submissions (2):

GeneDx
Classification: Uncertain significance. Last evaluated: 2022-11-21. Review status: criteria provided, single submitter. Criteria: GeneDx Variant Classification Process June 2021. Collection method: clinical testing. Allele origin: germline. Affected: yes.
Comment: Not observed at significant frequency in large population cohorts (gnomAD); In silico analysis supports that this missense variant has a deleterious effect on protein structure/function; Has not been previously published as pathogenic or benign to our knowledge

Ambry Genetics
Classification: Uncertain significance for Inborn genetic diseases. Last evaluated: 2022-09-06. Review status: criteria provided, single submitter. Criteria: Ambry Variant Classification Scheme 2023. Collection method: clinical testing. Allele origin: germline.

NM_139242.4(MTFMT):c.459G>T (p.Trp153Cys)

Gene: MTFMT (mitochondrial methionyl-tRNA formyltransferase; minus strand). Cytogenetic location: 15q22.31.
Variant type: single nucleotide variant.
Coding change: c.459G>T on transcript NM_139242.4 (MANE Select); coding-DNA position 459, G replaced by T.
Protein change: p.Trp153Cys; replaces tryptophan 153 with cysteine.
Molecular consequence: missense variant.
Genome position (GRCh38, 1-based): chr15:65,023,755, C>A on the plus strand (G>T on the coding strand, the complement: MTFMT is on the minus strand). VCF-style: chr15-65023755-C-A. GRCh37 (hg19) VCF-style: chr15-65316093-C-A.
Other names: short protein forms W153C.
Identifiers: ClinVar variation 1800604 (VCV001800604.4), dbSNP rs771725115, ClinGen allele CA7613350.